The following is an entry in ClinVar:

NM_000169.3(GLA):c.370-79G>C

Genes: GLA (galactosidase alpha; minus strand), RPL36A-HNRNPH2 (RPL36A-HNRNPH2 readthrough; plus strand). Cytogenetic location: Xq22.1.
Variant type: single nucleotide variant.
Coding change: c.370-79G>C on transcript NM_000169.3 (MANE Select); 79 bases into the intron before coding-DNA position 370, G replaced by C.
Molecular consequence: intron variant.
Genome position (GRCh38, 1-based): chrX:101,401,888, C>G on the plus strand (G>C on the coding strand, the complement: GLA is on the minus strand). VCF-style: chrX-101401888-C-G. GRCh37 (hg19) VCF-style: chrX-100656876-C-G.
Other names: c.300+6431C>G (NM_001199973.2); c.178-10048C>G (NM_001199974.2); c.493-79G>C (NM_001406747.1, NM_001406749.1); c.370-79G>C (NM_001406748.1).
Identifiers: ClinVar variation 4087103 (VCV004087103.2), dbSNP rs1023433.

ClinVar aggregate classification (germline): Likely benign (1 of 4 stars; one submission).

Conditions:
Fabry disease. Also called: ALPHA-GALACTOSIDASE A DEFICIENCY; ANDERSON-FABRY DISEASE; CERAMIDE TRIHEXOSIDASE DEFICIENCY; GLA DEFICIENCY; HEREDITARY DYSTOPIC LIPIDOSIS; Angiokeratoma corporis diffusum. Identifiers: Orphanet 324, MedGen C0002986, MONDO:0010526, OMIM 301500, HP:0001071. Disease mechanism: Fabry disease is due to inactivating mutations in the X-linked GLA gene resulting in deficiency of the enzyme Alpha Galactosidase-A., loss of function.

gnomAD v4.1: 2 of 758,673 alleles (0.00026%); highest among the groups gnomAD compares: Admixed American, 0.0028%; no homozygotes.

Submission:

Genomenon, Inc
Classification: Likely benign for Fabry disease. Last evaluated: 2026-09-08. Review status: criteria provided, single submitter. Criteria: Genomenon Sequence Variant Interpretation Standards - Updated. Collection method: curation. Allele origin: germline. Affected: no.
Comment: GLA c.370-79G>C is an intronic variant located in intron 2. This variant has been reported in the published literature (PMID:23430949). It is absent or not present at a significant frequency in gnomAD. This variant is not predicted to impact splicing. In conclusion, we classify GLA c.370-79G>C as a likely benign variant.

Literature cited by the submitters: PubMed 23430949.